The following is an entry in ClinVar:

NM_002336.3(LRP6):c.845-1G>A

Gene: LRP6 (LDL receptor related protein 6; minus strand). Cytogenetic location: 12p13.2.
Variant type: single nucleotide variant.
Coding change: c.845-1G>A on transcript NM_002336.3 (MANE Select); the canonical splice acceptor site of the intron before coding-DNA position 845, G replaced by A.
Molecular consequence: splice acceptor variant.
Genome position (GRCh38, 1-based): chr12:12,184,112, C>T on the plus strand (G>A on the coding strand, the complement: LRP6 is on the minus strand). VCF-style: chr12-12184112-C-T. GRCh37 (hg19) VCF-style: chr12-12337046-C-T.
Other names: c.845-1G>A (NM_001414245.1, NM_001414255.1, NM_001414251.1 and 5 more transcripts); c.392-1G>A (NM_001414253.1, NM_001414252.1, NM_001414254.1); c.647-1G>A (NM_001414247.1).
Identifiers: ClinVar variation 1199176 (VCV001199176.2), dbSNP rs2136998055, ClinGen allele CA383952955.

ClinVar aggregate classification (germline): Pathogenic (1 of 4 stars; one submission).

Conditions:
Tooth agenesis, selective, 7 (STHAG7). Identifiers: Orphanet 99798, MedGen C4225231, MONDO:0014749, OMIM 616724.

Submission:

Center of Excellence in Precision Medicine and Digital Health (CEPMDH), Faculty of Dentistry, Chulalongkorn University
Classification: Pathogenic for Tooth agenesis, selective, 7. Review status: criteria provided, single submitter. Criteria: ACMG Guidelines, 2015. Collection method: clinical testing. Allele origin: paternal, germline. Inheritance: Autosomal dominant inheritance. Affected: yes and no. Observed: 2 variant alleles, 2 heterozygotes.
Comment: Incomplete penetrance of LRP6 variant for the oligodontia phenotype was demonstrated in a family in which a carrier mother was unaffected (Massink et al. 2015). This variant is classified as pathogenic by ACMG guidelines.